The following is an entry in ClinVar:

NM_002524.5(NRAS):c.183A>C (p.Gln61His)

Gene: NRAS (NRAS proto-oncogene, GTPase; minus strand). Cytogenetic location: 1p13.2.
Variant type: single nucleotide variant.
Coding change: c.183A>C on transcript NM_002524.5 (MANE Select); coding-DNA position 183, A replaced by C.
Protein change: p.Gln61His; replaces glutamine 61 with histidine.
Molecular consequence: missense variant.
Genome position (GRCh38, 1-based): chr1:114,713,907, T>G on the plus strand (A>C on the coding strand, the complement: NRAS is on the minus strand). VCF-style: chr1-114713907-T-G. GRCh37 (hg19) VCF-style: chr1-115256528-T-G.
Other names: short protein forms Q61H.
Identifiers: ClinVar variation 4530443 (VCV004530443.2), dbSNP rs121913255.
Genomic context (GRCh38, chr1:114,713,907, plus strand): 5'-TACACAGAGGAAGCCTTCGCCTGTCCTCATGTATTGGTCTCTCATGGCACTGTACTCTTC[T>G]TGTCCAGCTGTATCCAGTATGTCCAACAAACAGGTTTCACCATCTATAACCACTTGTTTT-3'
Protein context (NP_002515.1, residues 51-71): CLLDILDTAG[Gln61His]EEYSAMRDQY

ClinVar aggregate classification (somatic clinical impact): Tier I - Strong. Review status: criteria provided, single submitter (1 of 4 stars). 3 submissions from 1 submitter. 1 of the submissions does not count toward it. Last evaluated 2025-10-15.
ClinVar aggregate classification (oncogenicity): Oncogenic (1 of 4 stars; one submission).

Conditions:
Rhabdomyosarcoma. Also called: Rhabdomyosarcoma (disease). Identifiers: Orphanet 780, MedGen C0035412, MeSH D012208, MONDO:0005212, HP:0002859.
Embryonal rhabdomyosarcoma (ERMS). Also called: Botryoid rhabdomyosarcoma (type of ERMS); Spindle cell rhabdomyosarcomas (type of ERMS). Identifiers: Orphanet 99757, MedGen C0206656, MONDO:0009993, HP:0006743.
Melanoma. Identifiers: MedGen C0025202, MeSH D008545, MONDO:0005105, HP:0002861.
Neoplasm. Also called: Neoplasms; Neoplasm (disease); tumor. Identifiers: MedGen C0027651, MeSH D009369, MONDO:0005070, HP:0002664.

Submissions (4):

Center for Genomic Medicine, Rigshospitalet, Copenhagen University Hospital
Classification: Oncogenic for Neoplasm. Last evaluated: 2025-12-29. Review status: criteria provided, single submitter. Criteria: ClinGen/CGC/VICC Guidelines for Oncogenicity, 2022. Collection method: clinical testing. Allele origin: somatic. Affected: yes.

Institute for Genomic Medicine (IGM) Clinical Laboratory, Nationwide Children's Hospital
Classification: Tier I - Strong for Embryonal rhabdomyosarcoma. Assertion type: diagnostic. Clinical significance: supports diagnosis. Last evaluated: 2025-10-15. Review status: criteria provided, single submitter. Criteria: AMP/ASCO/CAP Guidelines, 2017. Collection method: clinical testing. Allele origin: somatic. Affected: yes.
Comment: Variant has Tier I (strong) clinical significance as a diagnostic inclusion criterion in embryonal rhabdomyosarcoma, based on the following evidence: 1) Documented in one or more cancer databases (e.g., St. Jude Pecan, COSMIC, CIViC, OncoKB). 2) Appears in one or more well-established professional guidelines (e.g., World Health Organization [WHO]; National Comprehensive Cancer Network [NCCN]) as providing diagnostic, prognostic, or therapeutic information. 3) Information in the literature supports potential biologic effect of variant (PMIDs: 23103856, 10574788, 20194776, 9219684). 4) Diagnostic for a specific tumor type/classification based on well-powered studies with expert-level consensus (Evidence Level B; PMIDs: 34166060, 24436047, 2680062, 19681119, 24332040, 25768946).

Institute for Genomic Medicine (IGM) Clinical Laboratory, Nationwide Children's Hospital
Classification: Tier I - Strong for Melanoma. Assertion type: diagnostic. Clinical significance: supports diagnosis. Last evaluated: 2025-04-04. Review status: criteria provided, single submitter. Criteria: AMP/ASCO/CAP Guidelines, 2017. Collection method: clinical testing. Allele origin: somatic. Affected: yes.
Comment: Variant has Tier I (strong) clinical significance as a diagnostic inclusion criterion in melanoma, based on the following evidence: 1) Documented in one or more cancer databases (e.g., St. Jude Pecan, COSMIC, CIViC, OncoKB). 2) Appears in one or more well-established professional guidelines (e.g., World Health Organization [WHO]; National Comprehensive Cancer Network [NCCN]) as providing diagnostic, prognostic, or therapeutic information. 3) Information in the literature supports potential biologic effect of variant (PMIDs: 30201956, 35944066, 26037647). 4) Diagnostic for a specific tumor type/classification based on well-powered studies with expert-level consensus (Evidence Level B; PMIDs: 22817889, 26091043, 28467829, 16291983, 35121978, 36098958).

Institute for Genomic Medicine (IGM) Clinical Laboratory, Nationwide Children's Hospital
Classification: Tier II - Potential for Rhabdomyosarcoma. Assertion type: diagnostic. Clinical significance: supports diagnosis. Last evaluated: 2022-09-26. Review status: criteria provided, single submitter. Criteria: AMP/ASCO/CAP Guidelines, 2017. Collection method: clinical testing. Allele origin: somatic. Affected: yes. Not counted in ClinVar's aggregate classification.
Comment: Variant has Tier II (potential) clinical significance as a diagnostic inclusion criterion in rhabdomyosarcoma, based on the following evidence: 1) Documented in one or more cancer databases (e.g., St. Jude Pecan, COSMIC, CIViC, OncoKB). 2) Information in the literature supports potential biologic effect of variant (PMIDs: 30201956, 35944066, 26037647). 3) Diagnostic significance based on multiple small studies (Evidence Level C; PMIDs: 30181563, 34755412).

Literature cited by the submitters: PubMed 23103856 (cited by Center for Genomic Medicine, Rigshospitalet, Copenhagen University Hospital and Institute for Genomic Medicine (IGM) Clinical Laboratory, Nationwide Children's Hospital); PubMed 3510078 (cited by Center for Genomic Medicine, Rigshospitalet, Copenhagen University Hospital); PubMed 20147967 (cited by Center for Genomic Medicine, Rigshospitalet, Copenhagen University Hospital); PubMed 10574788 (cited by Institute for Genomic Medicine (IGM) Clinical Laboratory, Nationwide Children's Hospital); PubMed 20194776 (cited by Institute for Genomic Medicine (IGM) Clinical Laboratory, Nationwide Children's Hospital); PubMed 9219684 (cited by Institute for Genomic Medicine (IGM) Clinical Laboratory, Nationwide Children's Hospital); PubMed 34166060 (cited by Institute for Genomic Medicine (IGM) Clinical Laboratory, Nationwide Children's Hospital); PubMed 24436047 (cited by Institute for Genomic Medicine (IGM) Clinical Laboratory, Nationwide Children's Hospital); PubMed 2680062 (cited by Institute for Genomic Medicine (IGM) Clinical Laboratory, Nationwide Children's Hospital); PubMed 19681119 (cited by Institute for Genomic Medicine (IGM) Clinical Laboratory, Nationwide Children's Hospital); PubMed 24332040 (cited by Institute for Genomic Medicine (IGM) Clinical Laboratory, Nationwide Children's Hospital); PubMed 25768946 (cited by Institute for Genomic Medicine (IGM) Clinical Laboratory, Nationwide Children's Hospital); PubMed 30201956 (cited by Institute for Genomic Medicine (IGM) Clinical Laboratory, Nationwide Children's Hospital); PubMed 35944066 (cited by Institute for Genomic Medicine (IGM) Clinical Laboratory, Nationwide Children's Hospital); PubMed 26037647 (cited by Institute for Genomic Medicine (IGM) Clinical Laboratory, Nationwide Children's Hospital); PubMed 22817889 (cited by Institute for Genomic Medicine (IGM) Clinical Laboratory, Nationwide Children's Hospital); PubMed 26091043 (cited by Institute for Genomic Medicine (IGM) Clinical Laboratory, Nationwide Children's Hospital); PubMed 28467829 (cited by Institute for Genomic Medicine (IGM) Clinical Laboratory, Nationwide Children's Hospital); PubMed 16291983 (cited by Institute for Genomic Medicine (IGM) Clinical Laboratory, Nationwide Children's Hospital); PubMed 35121978 (cited by Institute for Genomic Medicine (IGM) Clinical Laboratory, Nationwide Children's Hospital); PubMed 36098958 (cited by Institute for Genomic Medicine (IGM) Clinical Laboratory, Nationwide Children's Hospital); PubMed 30181563 (cited by Institute for Genomic Medicine (IGM) Clinical Laboratory, Nationwide Children's Hospital); PubMed 34755412 (cited by Institute for Genomic Medicine (IGM) Clinical Laboratory, Nationwide Children's Hospital).